The following is an entry in ClinVar:

ClinVar aggregate classification (germline): Conflicting classifications of pathogenicity. Review status: criteria provided, conflicting classifications (1 of 4 stars). 4 submissions from 4 submitters: Uncertain significance (3); Likely benign (1). Last evaluated 2023-05-11.

Conditions:
Hereditary breast ovarian cancer syndrome. Also called: Hereditary breast and ovarian cancer syndrome (HBOC); Hereditary breast and ovarian cancer syndrome; Breast and ovarian cancer; BRCA1- and BRCA2-Associated Hereditary Breast and Ovarian Cancer; Hereditary breast and ovarian cancer; Hereditary breast and/or ovarian cancer syndrome. Identifiers: Orphanet 145, MedGen C0677776, MeSH D061325, MONDO:0003582. Disease mechanism: loss of function.
Hereditary cancer-predisposing syndrome. Also called: Neoplastic Syndromes, Hereditary; Hereditary Cancer Syndrome; Hereditary neoplastic syndrome; Tumor predisposition. Identifiers: Orphanet 140162, MedGen C0027672, MeSH D009386, MONDO:0015356.

Allele frequency attached by ClinVar (database versions not stated): gnomAD exomes 0.00001.
gnomAD v4.1: 5 of 1,586,096 alleles (0.00032%); highest among the groups gnomAD compares: Non-Finnish European, 0.00043%; no homozygotes.

Submissions (4):

Labcorp Genetics (formerly Invitae), Labcorp
Classification: Uncertain significance for Hereditary breast ovarian cancer syndrome. Last evaluated: 2023-05-11. Review status: criteria provided, single submitter. Criteria: Invitae Variant Classification Sherloc (09022015). Collection method: clinical testing. Allele origin: germline.
Comment: In summary, the available evidence is currently insufficient to determine the role of this variant in disease. Therefore, it has been classified as a Variant of Uncertain Significance. Advanced modeling of protein sequence and biophysical properties (such as structural, functional, and spatial information, amino acid conservation, physicochemical variation, residue mobility, and thermodynamic stability) performed at Invitae indicates that this missense variant is not expected to disrupt BRCA2 protein function. This variant has not been reported in the literature in individuals affected with BRCA2-related conditions. This variant is not present in population databases (gnomAD no frequency). ClinVar contains an entry for this variant (Variation ID: 479353). This sequence change replaces arginine, which is basic and polar, with glycine, which is neutral and non-polar, at codon 1704 of the BRCA2 protein (p.Arg1704Gly).

University of Washington Department of Laboratory Medicine, University of Washington
Classification: Likely benign for Hereditary cancer-predisposing syndrome. Last evaluated: 2023-03-23. Review status: criteria provided, single submitter. Criteria: Dines et al. (Genet Med. 2020). Collection method: curation. Allele origin: germline.
Comment: Missense variant in a coldspot region where missense variants are very unlikely to be pathogenic (PMID:31911673).

BRCA2 exon 11 coldspot. Reclassification based on statistical prior probability.

Color Diagnostics, LLC DBA Color Health
Classification: Uncertain significance for Hereditary cancer-predisposing syndrome. Last evaluated: 2020-10-05. Review status: criteria provided, single submitter. Criteria: ACMG Guidelines, 2015. Collection method: clinical testing. Allele origin: germline.
Comment: This missense variant replaces arginine with glycine at codon 1704 of the BRCA2 protein. Computational prediction suggests that this variant may not impact protein structure and function (internally defined REVEL score threshold <= 0.5, PMID: 27666373). To our knowledge, functional studies have not been reported for this variant. This variant has not been reported in individuals affected with hereditary cancer in the literature. This variant has not been identified in the general population by the Genome Aggregation Database (gnomAD). The available evidence is insufficient to determine the role of this variant in disease conclusively. Therefore, this variant is classified as a Variant of Uncertain Significance.

Ambry Genetics
Classification: Uncertain significance for Hereditary cancer-predisposing syndrome. Last evaluated: 2016-09-20. Review status: criteria provided, single submitter. Criteria: Ambry Variant Classification Scheme 2023. Collection method: clinical testing. Allele origin: germline.
Comment: The p.R1704G variant (also known as c.5110A>G), located in coding exon 10 of the BRCA2 gene, results from an A to G substitution at nucleotide position 5110. The arginine at codon 1704 is replaced by glycine, an amino acid with dissimilar properties. This variant was not reported in population based cohorts in the following databases: Database of Single Nucleotide Polymorphisms (dbSNP), NHLBI Exome Sequencing Project (ESP), and 1000 Genomes Project. In the ESP, this variant was not observed in 6460 samples (12920 alleles) with coverage at this position. To date, this alteration has been detected with an allele frequency of approximately 0.0003% (greater than 300000 alleles tested) in our clinical cohort. This amino acid position is poorly conserved in available vertebrate species. In addition, this alteration is predicted to be tolerated by in silico analysis. Since supporting evidence is limited at this time, the clinical significance of this alteration remains unclear.

NM_000059.4(BRCA2):c.5110A>G (p.Arg1704Gly)

Gene: BRCA2 (BRCA2 DNA repair associated; plus strand). Cytogenetic location: 13q13.1.
Variant type: single nucleotide variant.
Coding change: c.5110A>G on transcript NM_000059.4 (MANE Select); coding-DNA position 5110, A replaced by G.
Protein change: p.Arg1704Gly; replaces arginine 1704 with glycine.
Molecular consequence: missense variant.
Genome position (GRCh38, 1-based): chr13:32,339,465, A>G. VCF-style: chr13-32339465-A-G. GRCh37 (hg19) VCF-style: chr13-32913602-A-G.
Other names: short protein forms R1704G.
Identifiers: ClinVar variation 479353 (VCV000479353.12), dbSNP rs1064795652, ClinGen allele CA387784136.